The following is an entry in ClinVar:

NM_000047.3(ARSL):c.513C>A (p.Tyr171Ter)

Gene: ARSL (arylsulfatase L; minus strand). Cytogenetic location: Xp22.33.
Variant type: single nucleotide variant.
Coding change: c.513C>A on transcript NM_000047.3 (MANE Select); coding-DNA position 513, C replaced by A.
Protein change: p.Tyr171Ter; replaces tyrosine 171 with a stop codon.
Molecular consequence: nonsense.
Genome position (GRCh38, 1-based): chrX:2,949,645, G>T on the plus strand (C>A on the coding strand, the complement: ARSL is on the minus strand). VCF-style: chrX-2949645-G-T. GRCh37 (hg19) VCF-style: chrX-2867686-G-T.
Other names: c.588C>A, p.Tyr196Ter (NM_001282628.2, NM_001369080.1); c.351C>A, p.Tyr117Ter (NM_001282631.2); c.540C>A, p.Tyr180Ter (NM_001369079.1); short protein forms Y171*, Y180*, Y117*, Y196*.
Identifiers: ClinVar variation 620348 (VCV000620348.1), dbSNP rs143383382, ClinGen allele CA412281260.

ClinVar aggregate classification (germline): Likely pathogenic (1 of 4 stars; one submission).

Submission:

GeneDx
Classification: Likely pathogenic. Last evaluated: 2018-08-28. Review status: criteria provided, single submitter. Criteria: GeneDx Variant Classification (06012015). Collection method: clinical testing. Allele origin: germline. Affected: yes.
Comment: The Y171X nonsense variant in the ARSE gene is predicted to cause loss of normal protein function either through protein truncation or nonsense-mediated mRNA decay. The Y171X variant is not observed in large population cohorts (Lek et al., 2016).